The following is an entry in ClinVar:

ClinVar aggregate classification (germline): Uncertain significance (1 of 4 stars; one submission).

Allele frequency attached by ClinVar (database versions not stated): gnomAD exomes below 0.00001; TOPMed below 0.00001.
gnomAD v4.1: 1 of 1,614,224 alleles (0.000062%); highest among the groups gnomAD compares: Admixed American, 0.0017%; no homozygotes.

Submission:

Labcorp Genetics (formerly Invitae), Labcorp
Classification: Uncertain significance. Last evaluated: 2023-10-03. Review status: criteria provided, single submitter. Criteria: Invitae Variant Classification Sherloc (09022015). Collection method: clinical testing. Allele origin: germline.
Comment: This sequence change replaces alanine, which is neutral and non-polar, with threonine, which is neutral and polar, at codon 1163 of the SZT2 protein (p.Ala1163Thr). This variant is present in population databases (no rsID available, gnomAD 0.003%). This variant has not been reported in the literature in individuals affected with SZT2-related conditions. ClinVar contains an entry for this variant (Variation ID: 642264). Advanced modeling of protein sequence and biophysical properties (such as structural, functional, and spatial information, amino acid conservation, physicochemical variation, residue mobility, and thermodynamic stability) performed at Invitae indicates that this missense variant is not expected to disrupt SZT2 protein function. In summary, the available evidence is currently insufficient to determine the role of this variant in disease. Therefore, it has been classified as a Variant of Uncertain Significance.

NM_001365999.1(SZT2):c.3658G>A (p.Ala1220Thr)

Gene: SZT2 (SZT2 subunit of KICSTOR complex; plus strand). Cytogenetic location: 1p34.2.
Variant type: single nucleotide variant.
Coding change: c.3658G>A on transcript NM_001365999.1 (MANE Select); coding-DNA position 3658, G replaced by A.
Protein change: p.Ala1220Thr; replaces alanine 1220 with threonine.
Molecular consequence: missense variant.
Genome position (GRCh38, 1-based): chr1:43,427,589, G>A. VCF-style: chr1-43427589-G-A. GRCh37 (hg19) VCF-style: chr1-43893260-G-A.
Other names: c.3487G>A, p.Ala1163Thr (NM_015284.4); short protein forms A1163T, A1220T.
Identifiers: ClinVar variation 642264 (VCV000642264.8), dbSNP rs1330000302, ClinGen allele CA340018772.